The following is an entry in ClinVar:

ClinVar aggregate classification (germline): Likely benign. Review status: criteria provided, multiple submitters, no conflicts (2 of 4 stars). 5 submissions from 5 submitters: Likely benign (4). 1 of the submissions does not count toward it. Last evaluated 2024-10-22.

Conditions:
Treacher Collins syndrome 1 (TCS1). Also called: TCOF1-Related Treacher Collins Syndrome. Identifiers: Orphanet 861, MedGen CN315775, MONDO:0007944, OMIM 154500.
TCOF1-related disorder. Also called: TCOF1-related condition.
Inborn genetic diseases. Identifiers: MedGen C0950123, MeSH D030342.

Allele frequency attached by ClinVar (database versions not stated): gnomAD exomes 0.00004 and 0.00008; ExAC 0.00014; gnomAD 0.00031 and 0.00034; 1000 Genomes Project 0.00040; ESP Exome Variant Server 0.00046; 1000 Genomes Project 30x 0.00047.
gnomAD v4.1: 115 of 1,609,034 alleles (0.0071%); highest among the groups gnomAD compares: African/African-American, 0.11%; no homozygotes.

Submissions (5):

Labcorp Genetics (formerly Invitae), Labcorp
Classification: Likely benign for Treacher Collins syndrome 1. Last evaluated: 2024-10-22. Review status: criteria provided, single submitter. Criteria: Invitae Variant Classification Sherloc (09022015). Collection method: clinical testing. Allele origin: germline.

Blueprint Genetics
Classification: Likely benign. Last evaluated: 2024-09-23. Review status: criteria provided, single submitter. Criteria: ACMG Guidelines, 2015. Collection method: clinical testing. Allele origin: germline.

Ambry Genetics
Classification: Likely benign for Inborn genetic diseases. Last evaluated: 2022-02-10. Review status: criteria provided, single submitter. Criteria: Ambry Variant Classification Scheme 2023. Collection method: clinical testing. Allele origin: germline.

GeneDx
Classification: Likely benign. Last evaluated: 2021-06-08. Review status: criteria provided, single submitter. Criteria: GeneDx Variant Classification Process June 2021. Collection method: clinical testing. Allele origin: germline. Affected: yes.

PreventionGenetics, part of Exact Sciences
Classification: Likely benign for TCOF1-related condition. Last evaluated: 2023-03-06. Review status: no assertion criteria provided. Collection method: clinical testing. Allele origin: germline. Not counted in ClinVar's aggregate classification.
Comment: This variant is classified as likely benign based on ACMG/AMP sequence variant interpretation guidelines (Richards et al. 2015 PMID: 25741868, with internal and published modifications).

NM_001371623.1(TCOF1):c.1217G>A (p.Arg406Gln)

Gene: TCOF1 (treacle ribosome biogenesis factor 1; plus strand). Cytogenetic location: 5q32.
Variant type: single nucleotide variant.
Coding change: c.1217G>A on transcript NM_001371623.1 (MANE Select); coding-DNA position 1217, G replaced by A.
Protein change: p.Arg406Gln; replaces arginine 406 with glutamine.
Molecular consequence: missense variant.
Genome position (GRCh38, 1-based): chr5:150,374,750, G>A. VCF-style: chr5-150374750-G-A. GRCh37 (hg19) VCF-style: chr5-149754313-G-A.
Other names: c.986G>A, p.Arg329Gln (NM_000356.4, NM_001135245.2); c.1217G>A, p.Arg406Gln (NM_001008657.3, NM_001135243.2, NM_001135244.2 and 1 more transcripts); short protein forms R406Q, R329Q.
Identifiers: ClinVar variation 772600 (VCV000772600.16), dbSNP rs140204483, ClinGen allele CA3510793.
Genomic context (GRCh38, chr5:150,374,750, plus strand): 5'-CTGCCCCAGCGCCCCCTGGGAAGACAGGGCCTGCAGTTGCCAAGGCCCAGGCGGGGAAGC[G>A]GGAGGAGGACTCGCAGAGCAGCAGCGAGGAATCGGACAGTGAGGAGGAGGCGCCTGCTCA-3'
Protein context (NP_001358552.1, residues 396-416): PAVAKAQAGK[Arg406Gln]EEDSQSSSEE